The following is an entry in ClinVar:

NM_002474.3(MYH11):c.5094C>T (p.Ala1698=)

Genes: MYH11 (myosin heavy chain 11; minus strand), NDE1 (nudE neurodevelopment protein 1; plus strand). Cytogenetic location: 16p13.11.
Variant type: single nucleotide variant.
Coding change: c.5094C>T on transcript NM_002474.3 (MANE Select); coding-DNA position 5094, C replaced by T.
Protein change: p.Ala1698=; no amino-acid change (alanine 1698 retained).
Molecular consequence: synonymous variant. On other transcripts: intron variant (2).
Genome position (GRCh38, 1-based): chr16:15,719,297, G>A on the plus strand (C>T on the coding strand, the complement: MYH11 is on the minus strand). VCF-style: chr16-15719297-G-A. GRCh37 (hg19) VCF-style: chr16-15813154-G-A.
Other names: p.Ala1705=; c.5115C>T, p.Ala1705= (NM_001040113.2, NM_001040114.2); c.5094C>T, p.Ala1698= (NM_022844.3); c.948-4894G>A (NM_001143979.2, NM_017668.3).
Identifiers: ClinVar variation 318102 (VCV000318102.62), dbSNP rs771742318, ClinGen allele CA7921423.
Genomic context (GRCh38, chr16:15,719,297, plus strand): 5'-GGCCAGCTCCTCTGCCAGTTCCTCCTTCTCGAGGTCCGCTTGTTTGCGAGCCCTCTCAGC[G>A]GCGGCGAGGTCCTAGGTGGGAGGGAGGAAGGCTGTTGTCTGCCAGGGAAAGGCCAAGCCC-3'
Protein context (NP_002465.1, residues 1688-1708): DLMQLQEDLA[Ala1698=]AERARKQADL

ClinVar aggregate classification (germline): Conflicting classifications of pathogenicity. Review status: criteria provided, conflicting classifications (1 of 4 stars). 10 submissions from 10 submitters: Uncertain significance (1); Benign (1); Likely benign (8). Last evaluated 2026-02-04.

Conditions:
Familial thoracic aortic aneurysm and aortic dissection (TAAD). Also called: Thoracic aortic aneurysms and dissections. Identifiers: Orphanet 91387, MedGen C4707243, MONDO:0019625.
Aortic aneurysm, familial thoracic 4 (AAT4). Also called: AORTIC ANEURYSM/AORTIC DISSECTION AND PATENT DUCTUS ARTERIOSUS. Identifiers: MedGen C1851504, MONDO:0007568, OMIM 132900.

Allele frequency attached by ClinVar (database versions not stated): gnomAD exomes 0.00010 and 0.00017; ExAC 0.00014; gnomAD 0.00015 and 0.00016; TOPMed 0.00022.
gnomAD v4.1: 164 of 1,611,418 alleles (0.01%); highest among the groups gnomAD compares: East Asian, 0.022%; no homozygotes.

Submissions (10):

Labcorp Genetics (formerly Invitae), Labcorp
Classification: Likely benign for Aortic aneurysm, familial thoracic 4. Last evaluated: 2026-02-04. Review status: criteria provided, single submitter. Criteria: Invitae Variant Classification Sherloc (09022015). Collection method: clinical testing. Allele origin: germline.

Mayo Clinic Laboratories, Mayo Clinic
Classification: Likely benign. Last evaluated: 2025-07-30. Review status: criteria provided, single submitter. Criteria: ACMG Guidelines, 2015. Collection method: clinical testing. Allele origin: germline. Observed: 1 variant allele.
Comment: BP4, BP7

Blueprint Genetics
Classification: Likely benign. Last evaluated: 2024-10-03. Review status: criteria provided, single submitter. Criteria: ACMG Guidelines, 2015. Collection method: clinical testing. Allele origin: germline.

All of Us Research Program, National Institutes of Health
Classification: Likely benign for Familial thoracic aortic aneurysm and aortic dissection. Last evaluated: 2024-02-05. Review status: criteria provided, single submitter. Criteria: ACMG Guidelines, 2015. Collection method: clinical testing. Allele origin: germline. Inheritance: Autosomal dominant inheritance. Observed: 38 variant alleles, 37 heterozygotes, 1 homozygote.
Comment: This study involves interpretation of variants in research participants for the purpose of population health screening. Participant phenotype was not available at the time of variant classification. Additional details can be found in publication PMID: 35346344, PMCID: PMC8962531

Women's Health and Genetics/Laboratory Corporation of America, LabCorp
Classification: Benign. Last evaluated: 2023-07-30. Review status: criteria provided, single submitter. Criteria: LabCorp Variant Classification Summary - May 2015. Collection method: clinical testing. Allele origin: germline.

CeGaT Center for Human Genetics Tuebingen
Classification: Likely benign. Last evaluated: 2021-11-01. Review status: criteria provided, single submitter. Criteria: CeGaT Center For Human Genetics Tuebingen Variant Classification Criteria Version 2. Collection method: clinical testing. Allele origin: germline. Affected: yes. Observed: 1 variant allele.

Ambry Genetics
Classification: Likely benign for Familial thoracic aortic aneurysm and aortic dissection. Last evaluated: 2021-05-24. Review status: criteria provided, single submitter. Criteria: Ambry Variant Classification Scheme 2023. Collection method: clinical testing. Allele origin: germline.

GeneDx
Classification: Likely benign. Last evaluated: 2020-10-05. Review status: criteria provided, single submitter. Criteria: GeneDx Variant Classification Process June 2021. Collection method: clinical testing. Allele origin: germline. Affected: yes.

Color Diagnostics, LLC DBA Color Health
Classification: Likely benign for Familial thoracic aortic aneurysm and aortic dissection. Last evaluated: 2018-11-27. Review status: criteria provided, single submitter. Criteria: ACMG Guidelines, 2015. Collection method: clinical testing. Allele origin: germline.

Illumina Laboratory Services, Illumina
Classification: Uncertain significance for Aortic aneurysm, familial thoracic 4. Last evaluated: 2018-01-13. Review status: criteria provided, single submitter. Criteria: ICSL Variant Classification Criteria 13 December 2019. Collection method: clinical testing. Allele origin: germline.